The following is an entry in ClinVar:

ClinVar aggregate classification (germline): Likely benign. Review status: criteria provided, multiple submitters, no conflicts (2 of 4 stars). 4 submissions from 4 submitters: Likely benign (2). 2 of the submissions do not count toward it. Last evaluated 2026-02-01.

Conditions:
Dyskeratosis congenita, autosomal recessive 5 (DKCB5). Identifiers: MedGen C3554656, MONDO:0014076, OMIM 615190.
Pulmonary fibrosis and/or bone marrow failure, Telomere-related, 3. Also called: PULMONARY FIBROSIS AND/OR BONE MARROW FAILURE SYNDROME, TELOMERE-RELATED, 3. Identifiers: Orphanet 2032, MedGen C4225346, MONDO:0014613, OMIM 616373.
Inborn genetic diseases. Identifiers: MedGen C0950123, MeSH D030342.
RTEL1-related disorder. Also called: RTEL1-related disorders; RTEL1-related condition.
Dyskeratosis congenita. Identifiers: Orphanet 1775, MedGen C0265965, MONDO:0015780.

Allele frequency attached by ClinVar (database versions not stated): gnomAD 0.00001 and 0.00003; ExAC 0.00005; gnomAD exomes 0.00005; TOPMed 0.00008; 1000 Genomes Project 30x 0.00031; 1000 Genomes Project 0.00040.
gnomAD v4.1: 26 of 1,611,794 alleles (0.0016%); highest among the groups gnomAD compares: East Asian, 0.053%; no homozygotes.

Submissions (4):

Labcorp Genetics (formerly Invitae), Labcorp
Classification: Likely benign for Dyskeratosis congenita, autosomal recessive 5; Pulmonary fibrosis and/or bone marrow failure, Telomere-related, 3. Last evaluated: 2026-02-01. Review status: criteria provided, single submitter. Criteria: Invitae Variant Classification Sherloc (09022015). Collection method: clinical testing. Allele origin: germline.

Ambry Genetics
Classification: Likely benign for Inborn genetic diseases. Last evaluated: 2024-12-01. Review status: criteria provided, single submitter. Criteria: Ambry Variant Classification Scheme 2023. Collection method: clinical testing. Allele origin: germline.

PreventionGenetics, part of Exact Sciences
Classification: Likely benign for RTEL1-related condition. Last evaluated: 2021-03-22. Review status: no assertion criteria provided. Collection method: clinical testing. Allele origin: germline. Not counted in ClinVar's aggregate classification.
Comment: This variant is classified as likely benign based on ACMG/AMP sequence variant interpretation guidelines (Richards et al. 2015 PMID: 25741868, with internal and published modifications).

Natera, Inc.
Classification: Uncertain significance for Dyskeratosis congenita. Last evaluated: 2020-01-24. Review status: no assertion criteria provided. Collection method: clinical testing. Allele origin: germline. Not counted in ClinVar's aggregate classification.

NM_001283009.2(RTEL1):c.2979C>G (p.Val993=)

Genes: RTEL1 (regulator of telomere elongation helicase 1; plus strand), RTEL1-TNFRSF6B (RTEL1-TNFRSF6B readthrough (NMD candidate); plus strand). Cytogenetic location: 20q13.33.
Variant type: single nucleotide variant.
Coding change: c.2979C>G on transcript NM_001283009.2 (MANE Select); coding-DNA position 2979, C replaced by G.
Protein change: p.Val993=; no amino-acid change (valine 993 retained).
Molecular consequence: synonymous variant. On other transcripts: non-coding transcript variant (1).
Genome position (GRCh38, 1-based): chr20:63,693,270, C>G. VCF-style: chr20-63693270-C-G. GRCh37 (hg19) VCF-style: chr20-62324623-C-G.
Other names: c.2310C>G, p.Val770= (NM_001283010.1); c.2979C>G, p.Val993= (NM_016434.4); c.3051C>G, p.Val1017= (NM_032957.5).
Identifiers: ClinVar variation 731868 (VCV000731868.15), dbSNP rs116365288, ClinGen allele CA9965688.